The following is an entry in ClinVar:

ClinVar aggregate classification (germline): Uncertain significance (1 of 4 stars; one submission).

Conditions:
Distal hereditary motor neuropathy type 2. Identifiers: Orphanet 139525, MedGen C3711384, MeSH C580044, MONDO:0015352.

Allele frequency attached by ClinVar (database versions not stated): ExAC 0.00001.

Submission:

Labcorp Genetics (formerly Invitae), Labcorp
Classification: Uncertain significance for Distal hereditary motor neuropathy type 2. Last evaluated: 2019-09-26. Review status: criteria provided, single submitter. Criteria: Invitae Variant Classification Sherloc (09022015). Collection method: clinical testing. Allele origin: germline.
Comment: This sequence change replaces glutamine with proline at codon 610 of the FBXO38 protein (p.Gln610Pro). The glutamine residue is weakly conserved and there is a moderate physicochemical difference between glutamine and proline. In summary, the available evidence is currently insufficient to determine the role of this variant in disease. Therefore, it has been classified as a Variant of Uncertain Significance. Algorithms developed to predict the effect of missense changes on protein structure and function output the following: SIFT: "Tolerated"; PolyPhen-2: "Probably Damaging"; Align-GVGD: "Class C0". The proline amino acid residue is found in multiple mammalian species, suggesting that this missense change does not adversely affect protein function. These predictions have not been confirmed by published functional studies and their clinical significance is uncertain. This variant has not been reported in the literature in individuals with FBXO38-related disease. This variant is present in population databases (rs771845635, ExAC 0.001%).

NM_205836.3(FBXO38):c.1829A>C (p.Gln610Pro)

Gene: FBXO38 (F-box protein 38; plus strand). Cytogenetic location: 5q32.
Variant type: single nucleotide variant.
Coding change: c.1829A>C on transcript NM_205836.3 (MANE Select); coding-DNA position 1829, A replaced by C.
Protein change: p.Gln610Pro; replaces glutamine 610 with proline.
Molecular consequence: missense variant.
Genome position (GRCh38, 1-based): chr5:148,425,612, A>C. VCF-style: chr5-148425612-A-C. GRCh37 (hg19) VCF-style: chr5-147805175-A-C.
Other names: c.1829A>C, p.Gln610Pro (NM_001271723.2, NM_030793.5); short protein forms Q610P.
Identifiers: ClinVar variation 541006 (VCV000541006.12), dbSNP rs771845635, ClinGen allele CA3497389.
Genomic context (GRCh38, chr5:148,425,612, plus strand): 5'-CAACCTCAATTACTGTTCATGATTCAGAGAGTGATGATGAAGAAGATAGTCTAGAACTCC[A>C]AGAAGTCTGGATTCCTAAGAACGGTACTCGGCGTTACTCTGAACGTGAAGAAAAAACTGG-3'
Protein context (NP_995308.1, residues 600-620): SDDEEDSLEL[Gln610Pro]EVWIPKNGTR